The following is an entry in ClinVar:

NM_001378615.1(CC2D2A):c.3289-2del

Genes: CC2D2A (coiled-coil and C2 domain containing 2A; plus strand), FBXL5 (F-box and leucine rich repeat protein 5; minus strand). Cytogenetic location: 4p15.32.
Variant type: Deletion.
Coding change: c.3289-2del on transcript NM_001378615.1 (MANE Select); the canonical splice acceptor site of the intron before coding-DNA position 3289, one base deleted (A; older notation c.3289-2delA).
Molecular consequence: splice acceptor variant.
Genome position (GRCh38, 1-based): chr4:15,567,675, A deleted; the last of 2 consecutive A bases (chr4:15,567,674-15,567,675); deleting either gives the same sequence. VCF-style (leftmost placement, unchanged base first): chr4-15567673-TA-T. GRCh37 (hg19) VCF-style: chr4-15569296-TA-T.
Other names: c.3289-2del (NM_001080522.2); c.3142-2del (NM_001378617.1).
Identifiers: ClinVar variation 593930 (VCV000593930.12), dbSNP rs774235067, ClinGen allele CA2864138.

ClinVar aggregate classification (germline): Uncertain significance. Review status: criteria provided, multiple submitters, no conflicts (2 of 4 stars). 4 submissions from 4 submitters: Uncertain significance (4). Last evaluated 2024-06-20.

Conditions:
Meckel-Gruber syndrome. Also called: Dysencephalia splachnocystica; DYSENCEPHALIA SPLANCHNOCYSTICA; GRUBER SYNDROME. Identifiers: Orphanet 564, MedGen C0265215, MONDO:0018921.
Joubert syndrome. Also called: Familial aplasia of the vermis; JOUBERT-BOLTSHAUSER SYNDROME. Identifiers: Orphanet 475, MedGen C5979921, MONDO:0018772.
Joubert syndrome 9 (JBTS9). Identifiers: Orphanet 2318, MedGen C2676788, MONDO:0012849, OMIM 612285.
Meckel syndrome, type 6. Identifiers: Orphanet 564, MedGen C2676790, MONDO:0012848, OMIM 612284.
Retinitis pigmentosa 93. Identifiers: MedGen C5676970, MONDO:0030797, OMIM 619845.
COACH syndrome 2. Identifiers: MedGen C5436837, MONDO:0030859, OMIM 619111.

Submissions (4):

Fulgent Genetics
Classification: Uncertain significance for Meckel syndrome, type 6; Joubert syndrome 9; COACH syndrome 2; Retinitis pigmentosa 93. Last evaluated: 2024-06-20. Review status: criteria provided, single submitter. Criteria: ACMG Guidelines, 2015. Collection method: clinical testing. Allele origin: germline.

Blueprint Genetics
Classification: Uncertain significance. Last evaluated: 2024-05-08. Review status: criteria provided, single submitter. Criteria: ACMG Guidelines, 2015. Collection method: clinical testing. Allele origin: germline.

Labcorp Genetics (formerly Invitae), Labcorp
Classification: Uncertain significance for Joubert syndrome; Meckel-Gruber syndrome. Last evaluated: 2021-05-26. Review status: criteria provided, single submitter. Criteria: Invitae Variant Classification Sherloc (09022015). Collection method: clinical testing. Allele origin: germline.
Comment: This sequence change falls in intron 26 of the CC2D2A gene. It does not directly change the encoded amino acid sequence of the CC2D2A protein. It affects a nucleotide within the consensus splice site of the intron. This variant is present in population databases (rs774235067, ExAC 0.04%). This variant has not been reported in the literature in individuals with CC2D2A-related conditions. ClinVar contains an entry for this variant (Variation ID: 593930). Nucleotide substitutions within the consensus splice site are a relatively common cause of aberrant splicing (PMID: 17576681, 9536098). Algorithms developed to predict the effect of sequence changes on RNA splicing suggest that this variant is not likely to affect RNA splicing, but this prediction has not been confirmed by published transcriptional studies. In summary, the available evidence is currently insufficient to determine the role of this variant in disease. Therefore, it has been classified as a Variant of Uncertain Significance.

Eurofins Ntd Llc (ga)
Classification: Uncertain significance. Last evaluated: 2018-08-07. Review status: criteria provided, single submitter. Criteria: EGL ClinVar v180209 classification definitions. Collection method: clinical testing. Allele origin: germline. Observed: 2 variant alleles, 2 heterozygotes.

Literature cited by the submitters: PubMed 17576681 (cited by Labcorp Genetics (formerly Invitae), Labcorp); PubMed 9536098 (cited by Labcorp Genetics (formerly Invitae), Labcorp).